The following is an entry in ClinVar:

ClinVar aggregate classification (germline): Uncertain significance. Review status: criteria provided, multiple submitters, no conflicts (2 of 4 stars). 2 submissions from 2 submitters: Uncertain significance (2). Last evaluated 2025-12-08.

Conditions:
Inborn genetic diseases. Identifiers: MedGen C0950123, MeSH D030342.
Fanconi anemia (FA). Also called: Fanconi's anemia. Identifiers: Orphanet 84, MedGen C0015625, MeSH D005199, MONDO:0019391.

Allele frequency attached by ClinVar (database versions not stated): ExAC 0.00001.
gnomAD v4.1: 1 of 1,611,626 alleles (0.000062%); no homozygotes.

Submissions (2):

Labcorp Genetics (formerly Invitae), Labcorp
Classification: Uncertain significance for Fanconi anemia. Last evaluated: 2025-12-08. Review status: criteria provided, single submitter. Criteria: Invitae Variant Classification Sherloc (09022015). Collection method: clinical testing. Allele origin: germline.
Comment: This sequence change replaces alanine, which is neutral and non-polar, with threonine, which is neutral and polar, at codon 733 of the FANCA protein (p.Ala733Thr). The frequency data for this variant in the population databases is considered unreliable, as metrics indicate poor data quality at this position in the gnomAD database. This variant has not been reported in the literature in individuals affected with FANCA-related conditions. ClinVar contains an entry for this variant (Variation ID: 2724787). Invitae Evidence Modeling of protein sequence and biophysical properties (such as structural, functional, and spatial information, amino acid conservation, physicochemical variation, residue mobility, and thermodynamic stability) has been performed for this missense variant. However, the output from this modeling did not meet the statistical confidence thresholds required to predict the impact of this variant on FANCA protein function. In summary, the available evidence is currently insufficient to determine the role of this variant in disease. Therefore, it has been classified as a Variant of Uncertain Significance.

Ambry Genetics
Classification: Uncertain significance for Inborn genetic diseases. Last evaluated: 2025-06-29. Review status: criteria provided, single submitter. Criteria: Ambry Variant Classification Scheme 2023. Collection method: clinical testing. Allele origin: germline.
Comment: The p.A733T variant (also known as c.2197G>A), located in coding exon 24 of the FANCA gene, results from a G to A substitution at nucleotide position 2197. The alanine at codon 733 is replaced by threonine, an amino acid with similar properties. This amino acid position is conserved. In addition, the in silico prediction for this alteration is inconclusive. Based on the available evidence, the clinical significance of this variant remains unclear.

NM_000135.4(FANCA):c.2197G>A (p.Ala733Thr)

Gene: FANCA (FA complementation group A; minus strand). Cytogenetic location: 16q24.3.
Variant type: single nucleotide variant.
Coding change: c.2197G>A on transcript NM_000135.4 (MANE Select); coding-DNA position 2197, G replaced by A.
Protein change: p.Ala733Thr; replaces alanine 733 with threonine.
Molecular consequence: missense variant.
Genome position (GRCh38, 1-based): chr16:89,770,589, C>T on the plus strand (G>A on the coding strand, the complement: FANCA is on the minus strand). VCF-style: chr16-89770589-C-T. GRCh37 (hg19) VCF-style: chr16-89836997-C-T.
Other names: c.2197G>A, p.Ala733Thr (NM_001286167.3); short protein forms A733T.
Identifiers: ClinVar variation 2724787 (VCV002724787.4), dbSNP rs778634327, ClinGen allele CA8251854.